The following is an entry in ClinVar:

ClinVar aggregate classification (germline): Uncertain significance (1 of 4 stars; one submission).

Conditions:
Deficiency of acetyl-CoA acetyltransferase. Also called: MITOCHONDRIAL ACETOACETYL-CoA THIOLASE DEFICIENCY; Beta-ketothiolase deficiency; 3-KETOTHIOLASE DEFICIENCY; 3-OXOTHIOLASE DEFICIENCY. Identifiers: Orphanet 134, MedGen C1536500, MONDO:0008760, OMIM 203750. Disease mechanism: loss of function.

Allele frequency attached by ClinVar (database versions not stated): gnomAD exomes below 0.00001.
gnomAD v4.1: 5 of 1,614,150 alleles (0.00031%); highest among the groups gnomAD compares: Non-Finnish European, 0.00017%; no homozygotes.

Submission:

Labcorp Genetics (formerly Invitae), Labcorp
Classification: Uncertain significance for Deficiency of acetyl-CoA acetyltransferase. Last evaluated: 2021-07-02. Review status: criteria provided, single submitter. Criteria: Invitae Variant Classification Sherloc (09022015). Collection method: clinical testing. Allele origin: germline.
Comment: This sequence change replaces isoleucine with threonine at codon 236 of the ACAT1 protein (p.Ile236Thr). The isoleucine residue is weakly conserved and there is a moderate physicochemical difference between isoleucine and threonine. This variant is not present in population databases (ExAC no frequency). This variant has not been reported in the literature in individuals with ACAT1-related conditions. Algorithms developed to predict the effect of missense changes on protein structure and function output the following: SIFT: "Tolerated"; PolyPhen-2: "Benign"; Align-GVGD: "Class C0". The threonine amino acid residue is found in multiple mammalian species, suggesting that this missense change does not adversely affect protein function. These predictions have not been confirmed by published functional studies and their clinical significance is uncertain. In summary, the available evidence is currently insufficient to determine the role of this variant in disease. Therefore, it has been classified as a Variant of Uncertain Significance.

NM_000019.4(ACAT1):c.707T>C (p.Ile236Thr)

Gene: ACAT1 (acetyl-CoA acetyltransferase 1; plus strand). Cytogenetic location: 11q22.3.
Variant type: single nucleotide variant.
Coding change: c.707T>C on transcript NM_000019.4 (MANE Select); coding-DNA position 707, T replaced by C.
Protein change: p.Ile236Thr; replaces isoleucine 236 with threonine.
Molecular consequence: missense variant. On other transcripts: non-coding transcript variant (2).
Genome position (GRCh38, 1-based): chr11:108,140,192, T>C. VCF-style: chr11-108140192-T-C. GRCh37 (hg19) VCF-style: chr11-108010919-T-C.
Other names: c.707T>C, p.Ile236Thr (NM_001386677.1); c.392T>C, p.Ile131Thr (NM_001386678.1); c.410T>C, p.Ile137Thr (NM_001386679.1); c.437T>C, p.Ile146Thr (NM_001386681.1, NM_001386682.1, NM_001386685.1 and 6 more transcripts); short protein forms I236T, I131T, I137T, I146T.
Identifiers: ClinVar variation 2197627 (VCV002197627.1), dbSNP rs1400271424, ClinGen allele CA382507658.
Genomic context (GRCh38, chr11:108,140,192, plus strand): 5'-TTAATTCTTATACCAGAAGTAAAGCAGCATGGGAAGCTGGGAAATTTGGAAATGAAGTTA[T>C]TCCTGTCACAGTTACAGTAAAAGGTAGAGATAATGTTCCAAAAAGGATGAATAGACTTTT-3'
Protein context (NP_000010.1, residues 226-246): WEAGKFGNEV[Ile236Thr]PVTVTVKGQP